The following is an entry in ClinVar:

ClinVar aggregate classification (germline): Conflicting classifications of pathogenicity. Review status: criteria provided, conflicting classifications (1 of 4 stars). 3 submissions from 1 submitter: Uncertain significance (2); Benign (1). Last evaluated 2018-01-13.

Conditions:
Desmin-related myofibrillar myopathy (MFM1). Also called: Desminopathy; Desmin related myopathy (former name); Desmin storage myopathy (former name); MYOFIBRILLAR MYOPATHY WITH ARRHYTHMOGENIC RIGHT VENTRICULAR CARDIOMYOPATHY; DESMIN-RELATED MYOPATHY WITH ARRHYTHMOGENIC RIGHT VENTRICULAR CARDIOMYOPATHY; Myofibrillar myopathy 1. Identifiers: Orphanet 363543, Orphanet 98909, MedGen C1832370, MONDO:0011076, OMIM 601419.
Neurogenic scapuloperoneal syndrome, Kaeser type (SCPNK). Also called: KAESER SYNDROME. Identifiers: Orphanet 85146, MedGen C1867005, MONDO:0008407, OMIM 181400.
Dilated cardiomyopathy 1I (CMD1I). Identifiers: Orphanet 154, MedGen C1858154, MONDO:0011482, OMIM 604765.

Allele frequency attached by ClinVar (database versions not stated): gnomAD 0.00013; TOPMed 0.00034; gnomAD exomes 0.00065; 1000 Genomes Project 30x 0.00094; 1000 Genomes Project 0.00120.
gnomAD v4.1: 416 of 695,184 alleles (0.06%); highest among the groups gnomAD compares: Middle Eastern, 0.64%; 5 homozygotes.

Submissions (3):

Illumina Laboratory Services, Illumina
Classification: Uncertain significance for Myofibrillar myopathy 1. Last evaluated: 2018-01-13. Review status: criteria provided, single submitter. Criteria: ICSL Variant Classification Criteria 13 December 2019. Collection method: clinical testing. Allele origin: germline.

Illumina Laboratory Services, Illumina
Classification: Uncertain significance for Dilated cardiomyopathy 1I. Last evaluated: 2018-01-13. Review status: criteria provided, single submitter. Criteria: ICSL Variant Classification Criteria 13 December 2019. Collection method: clinical testing. Allele origin: germline.

Illumina Laboratory Services, Illumina
Classification: Benign for Neurogenic scapuloperoneal syndrome, Kaeser type. Last evaluated: 2018-01-13. Review status: criteria provided, single submitter. Criteria: ICSL Variant Classification Criteria 13 December 2019. Collection method: clinical testing. Allele origin: germline.
Comment: This variant was observed in the ICSL laboratory as part of a predisposition screen in an ostensibly healthy population. It had not been previously curated by ICSL or reported in the Human Gene Mutation Database (HGMD: prior to June 1st, 2018), and was therefore a candidate for classification through an automated scoring system. Utilizing variant allele frequency, disease prevalence and penetrance estimates, and inheritance mode, an automated score was calculated to assess if this variant is too frequent to cause the disease. Based on the score and internal cut-off values, a variant classified as benign is not then subjected to further curation. The score for this variant resulted in a classification of benign for this disease.

NM_001927.4(DES):c.*198G>A

Gene: DES (desmin; plus strand). Cytogenetic location: 2q35.
Variant type: single nucleotide variant.
Coding change: c.*198G>A on transcript NM_001927.4 (MANE Select); 198 bases downstream of the stop codon, G replaced by A.
Molecular consequence: 3 prime UTR variant.
Genome position (GRCh38, 1-based): chr2:219,426,188, G>A. VCF-style: chr2-219426188-G-A. GRCh37 (hg19) VCF-style: chr2-220290910-G-A.
Other names: c.*198G>A (LRG_380t1).
Identifiers: ClinVar variation 334451 (VCV000334451.7), dbSNP rs560055588, ClinGen allele CA10612866.